The following is an entry in ClinVar:

ClinVar aggregate classification (germline): Uncertain significance (1 of 4 stars; one submission).

Conditions:
Autosomal recessive limb-girdle muscular dystrophy type 2L (LGMDR12). Also called: MUSCULAR DYSTROPHY, LIMB-GIRDLE, AUTOSOMAL RECESSIVE 12; Limb-Girdle Muscular Dystrophy R12 Anoctamin-5-Related (LGMD-R12); Limb-girdle muscular dystrophy, type 2L. Identifiers: Orphanet 206549, MedGen C1969785, MONDO:0012652, OMIM 611307.
Gnathodiaphyseal dysplasia (GDD). Also called: GNATHODIAPHYSEAL SCLEROSIS; OSTEOGENESIS IMPERFECTA WITH UNUSUAL SKELETAL LESIONS. Identifiers: Orphanet 53697, MedGen C1833736, MONDO:0008151, OMIM 166260.

Submission:

Labcorp Genetics (formerly Invitae), Labcorp
Classification: Uncertain significance for Autosomal recessive limb-girdle muscular dystrophy type 2L; Gnathodiaphyseal dysplasia. Last evaluated: 2024-10-17. Review status: criteria provided, single submitter. Criteria: Invitae Variant Classification Sherloc (09022015). Collection method: clinical testing. Allele origin: germline.
Comment: This sequence change replaces glycine, which is neutral and non-polar, with alanine, which is neutral and non-polar, at codon 775 of the ANO5 protein (p.Gly775Ala). This variant is not present in population databases (gnomAD no frequency). This variant has not been reported in the literature in individuals affected with ANO5-related conditions. Invitae Evidence Modeling of protein sequence and biophysical properties (such as structural, functional, and spatial information, amino acid conservation, physicochemical variation, residue mobility, and thermodynamic stability) indicates that this missense variant is expected to disrupt ANO5 protein function with a positive predictive value of 95%. In summary, the available evidence is currently insufficient to determine the role of this variant in disease. Therefore, it has been classified as a Variant of Uncertain Significance.

NM_213599.3(ANO5):c.2324G>C (p.Gly775Ala)

Gene: ANO5 (anoctamin 5; plus strand). Cytogenetic location: 11p14.3.
Variant type: single nucleotide variant.
Coding change: c.2324G>C on transcript NM_213599.3 (MANE Select); coding-DNA position 2324, G replaced by C.
Protein change: p.Gly775Ala; replaces glycine 775 with alanine.
Molecular consequence: missense variant.
Genome position (GRCh38, 1-based): chr11:22,274,657, G>C. VCF-style: chr11-22274657-G-C. GRCh37 (hg19) VCF-style: chr11-22296203-G-C.
Other names: c.2321G>C, p.Gly774Ala (NM_001142649.2); c.2282G>C, p.Gly761Ala (NM_001410963.1); c.2279G>C, p.Gly760Ala (NM_001410964.1); short protein forms G760A, G761A, G774A, G775A.
Identifiers: ClinVar variation 3762485 (VCV003762485.2).